The following is an entry in ClinVar:

ClinVar aggregate classification (germline): Benign (1 of 4 stars; one submission).

Submission:

Mayo Clinic Laboratories, Mayo Clinic
Classification: Benign. Last evaluated: 2024-12-10. Review status: criteria provided, single submitter. Criteria: ACMG Guidelines, 2015. Collection method: clinical testing. Allele origin: germline. Observed: 1 variant allele.
Comment: BS1, BS2, BS3, BP4, BP7

Literature cited by the submitters: PubMed 37186029.

NM_001165963.4(SCN1A):c.265-2141G>A

Gene: SCN1A (sodium voltage-gated channel alpha subunit 1; minus strand). Cytogenetic location: 2q24.3.
Variant type: single nucleotide variant.
Coding change: c.265-2141G>A on transcript NM_001165963.4 (MANE Select); 2141 bases into the intron before coding-DNA position 265, G replaced by A.
Molecular consequence: intron variant.
Genome position (GRCh38, 1-based): chr2:166,060,829, C>T on the plus strand (G>A on the coding strand, the complement: SCN1A is on the minus strand). VCF-style: chr2-166060829-C-T. GRCh37 (hg19) VCF-style: chr2-166917339-C-T.
Other names: p.?; c.265-2141G>A (NM_001353949.2, NM_001353958.2, NM_001353950.2 and 10 more transcripts); c.-2161-2141G>A (NM_001353961.2).
Identifiers: ClinVar variation 4684596 (VCV004684596.1).